The following is an entry in ClinVar:

ClinVar aggregate classification (germline): Uncertain significance (1 of 4 stars; one submission).

Allele frequency attached by ClinVar (database versions not stated): gnomAD 0.00002; TOPMed 0.00002.
gnomAD v4.1: 7 of 1,614,004 alleles (0.00043%); highest among the groups gnomAD compares: South Asian, 0.0033%; no homozygotes.

Submission:

Labcorp Genetics (formerly Invitae), Labcorp
Classification: Uncertain significance. Last evaluated: 2023-01-15. Review status: criteria provided, single submitter. Criteria: Invitae Variant Classification Sherloc (09022015). Collection method: clinical testing. Allele origin: germline.
Comment: In summary, the available evidence is currently insufficient to determine the role of this variant in disease. Therefore, it has been classified as a Variant of Uncertain Significance. Algorithms developed to predict the effect of missense changes on protein structure and function are either unavailable or do not agree on the potential impact of this missense change (SIFT: "Deleterious"; PolyPhen-2: "Probably Damaging"; Align-GVGD: "Class C0"). This variant has not been reported in the literature in individuals affected with DMXL2-related conditions. This variant is present in population databases (no rsID available, gnomAD 0.007%). This sequence change replaces arginine, which is basic and polar, with histidine, which is basic and polar, at codon 1025 of the DMXL2 protein (p.Arg1025His).

NM_001378457.1(DMXL2):c.3074G>A (p.Arg1025His)

Gene: DMXL2 (Dmx like 2; minus strand). Cytogenetic location: 15q21.2.
Variant type: single nucleotide variant.
Coding change: c.3074G>A on transcript NM_001378457.1 (MANE Select); coding-DNA position 3074, G replaced by A.
Protein change: p.Arg1025His; replaces arginine 1025 with histidine.
Molecular consequence: missense variant. On other transcripts: non-coding transcript variant (2), intron variant (2).
Genome position (GRCh38, 1-based): chr15:51,500,150, C>T on the plus strand (G>A on the coding strand, the complement: DMXL2 is on the minus strand). VCF-style: chr15-51500150-C-T. GRCh37 (hg19) VCF-style: chr15-51792347-C-T.
Other names: c.3074G>A, p.Arg1025His (NM_001174116.3, NM_001378458.1, NM_001378459.1 and 4 more transcripts); c.2834G>A, p.Arg945His (NM_001378464.1); c.2764+6984G>A (NM_001378460.1); c.2765-5016G>A (NM_001174117.3); short protein forms R1025H, R945H.
Identifiers: ClinVar variation 2796592 (VCV002796592.3), dbSNP rs138911498, ClinGen allele CA392437760.